The following is an entry in ClinVar:

ClinVar aggregate classification (germline): Uncertain significance. Review status: criteria provided, multiple submitters, no conflicts (2 of 4 stars). 6 submissions from 6 submitters: Uncertain significance (5). 1 of the submissions does not count toward it. Last evaluated 2025-03-01.

Conditions:
Alpha thalassemia-X-linked intellectual disability syndrome (ATRX). Also called: ALPHA-THALASSEMIA/IMPAIRED INTELLECTUAL DEVELOPMENT SYNDROME, X-LINKED; ALPHA-THALASSEMIA/MENTAL RETARDATION SYNDROME, X-LINKED; ATR, NONDELETION TYPE; X-linked alpha-thalassemia-mental retardation syndrome; ATR-X syndrome; Alpha thalassemia mental retardation syndrome, nondeletion type, X-linked. Identifiers: Orphanet 847, MedGen C1845055, MONDO:0010519, OMIM 301040.
Inborn genetic diseases. Identifiers: MedGen C0950123, MeSH D030342.

Allele frequency attached by ClinVar (database versions not stated): gnomAD exomes below 0.00001; gnomAD 0.00002; TOPMed 0.00003.
gnomAD v4.1: 6 of 1,208,030 alleles (0.0005%); highest among the groups gnomAD compares: Admixed American, 0.0022%; no homozygotes.

Submissions (6):

Labcorp Genetics (formerly Invitae), Labcorp
Classification: Uncertain significance for Alpha thalassemia-X-linked intellectual disability syndrome. Last evaluated: 2025-03-01. Review status: criteria provided, single submitter. Criteria: Invitae Variant Classification Sherloc (09022015). Collection method: clinical testing. Allele origin: germline.
Comment: This sequence change replaces glutamic acid, which is acidic and polar, with lysine, which is basic and polar, at codon 492 of the ATRX protein (p.Glu492Lys). This variant is not present in population databases (gnomAD no frequency). This variant has not been reported in the literature in individuals affected with ATRX-related conditions. ClinVar contains an entry for this variant (Variation ID: 585473). Invitae Evidence Modeling of protein sequence and biophysical properties (such as structural, functional, and spatial information, amino acid conservation, physicochemical variation, residue mobility, and thermodynamic stability) indicates that this missense variant is not expected to disrupt ATRX protein function with a negative predictive value of 95%. In summary, the available evidence is currently insufficient to determine the role of this variant in disease. Therefore, it has been classified as a Variant of Uncertain Significance.

Ambry Genetics
Classification: Uncertain significance for Inborn genetic diseases. Last evaluated: 2024-12-10. Review status: criteria provided, single submitter. Criteria: Ambry Variant Classification Scheme 2023. Collection method: clinical testing. Allele origin: germline.

GeneDx
Classification: Uncertain significance. Last evaluated: 2023-10-25. Review status: criteria provided, single submitter. Criteria: GeneDx Variant Classification Process June 2021. Collection method: clinical testing. Allele origin: germline. Affected: yes.
Comment: Not observed at significant frequency in large population cohorts (gnomAD); In silico analysis supports that this missense variant does not alter protein structure/function; Has not been previously published as pathogenic or benign to our knowledge

Revvity Omics, Revvity
Classification: Uncertain significance. Last evaluated: 2022-10-06. Review status: criteria provided, single submitter. Criteria: ACMG Guidelines, 2015. Collection method: clinical testing. Allele origin: germline.

Athena Diagnostics
Classification: Uncertain significance. Last evaluated: 2018-01-25. Review status: criteria provided, single submitter. Criteria: Athena Diagnostics Criteria. Collection method: clinical testing. Allele origin: germline.

Natera, Inc.
Classification: Uncertain significance for X-linked alpha-thalassemia-mental retardation syndrome. Last evaluated: 2020-02-12. Review status: no assertion criteria provided. Collection method: clinical testing. Allele origin: germline. Not counted in ClinVar's aggregate classification.

NM_000489.6(ATRX):c.1474G>A (p.Glu492Lys)

Gene: ATRX (ATRX chromatin remodeler; minus strand). Cytogenetic location: Xq21.1.
Variant type: single nucleotide variant.
Coding change: c.1474G>A on transcript NM_000489.6 (MANE Select); coding-DNA position 1474, G replaced by A.
Protein change: p.Glu492Lys; replaces glutamic acid 492 with lysine.
Molecular consequence: missense variant.
Genome position (GRCh38, 1-based): chrX:77,683,782, C>T on the plus strand (G>A on the coding strand, the complement: ATRX is on the minus strand). VCF-style: chrX-77683782-C-T. GRCh37 (hg19) VCF-style: chrX-76939274-C-T.
Other names: c.1474G>A (NM_000489.5); c.1360G>A, p.Glu454Lys (NM_138270.5); short protein forms E492K, E454K.
Identifiers: ClinVar variation 585473 (VCV000585473.13), dbSNP rs1418531949, ClinGen allele CA413717908.